The following is an entry in ClinVar:

ClinVar aggregate classification (germline): Benign/Likely benign. Review status: criteria provided, multiple submitters, no conflicts (2 of 4 stars). 2 submissions from 2 submitters: Benign (1); Likely benign (1). Last evaluated 2020-11-12.

Conditions:
Isolated Nonsyndromic Congenital Heart Disease.

Allele frequency attached by ClinVar (database versions not stated): gnomAD 0.00014 and 0.00021; TOPMed 0.00045; 1000 Genomes Project 0.00080; 1000 Genomes Project 30x 0.00109.

Submissions (2):

GeneDx
Classification: Likely benign. Last evaluated: 2020-11-12. Review status: criteria provided, single submitter. Criteria: GeneDx Variant Classification Process June 2021. Collection method: clinical testing. Allele origin: germline. Affected: yes.

Illumina Laboratory Services, Illumina
Classification: Benign for Isolated Nonsyndromic Congenital Heart Disease. Last evaluated: 2018-01-13. Review status: criteria provided, single submitter. Criteria: ICSL Variant Classification Criteria 13 December 2019. Collection method: clinical testing. Allele origin: germline.
Comment: This variant was observed in the ICSL laboratory as part of a predisposition screen in an ostensibly healthy population. It had not been previously curated by ICSL or reported in the Human Gene Mutation Database (HGMD: prior to June 1st, 2018), and was therefore a candidate for classification through an automated scoring system. Utilizing variant allele frequency, disease prevalence and penetrance estimates, and inheritance mode, an automated score was calculated to assess if this variant is too frequent to cause the disease. Based on the score and internal cut-off values, a variant classified as benign is not then subjected to further curation. The score for this variant resulted in a classification of benign for this disease.

NM_000214.3(JAG1):c.-42G>T

Gene: JAG1 (jagged canonical Notch ligand 1; minus strand). Cytogenetic location: 20p12.2.
Variant type: single nucleotide variant.
Coding change: c.-42G>T on transcript NM_000214.3 (MANE Select); 42 bases upstream of the start codon, G replaced by T.
Molecular consequence: 5 prime UTR variant.
Genome position (GRCh38, 1-based): chr20:10,673,572, C>A on the plus strand (G>T on the coding strand, the complement: JAG1 is on the minus strand). VCF-style: chr20-10673572-C-A. GRCh37 (hg19) VCF-style: chr20-10654220-C-A.
Other names: c.-42G>T (LRG_1191t1).
Identifiers: ClinVar variation 337763 (VCV000337763.8), dbSNP rs374222937, ClinGen allele CA10643501.